The following is an entry in ClinVar:

NM_001369.3(DNAH5):c.2948delinsCTCAGCAGC (p.Lys983fs)

Genes: DNAH5 (dynein axonemal heavy chain 5; minus strand), DNAH5-AS1 (DNAH5 antisense RNA 1; plus strand). Cytogenetic location: 5p15.2.
Variant type: Indel.
Coding change: c.2948delinsCTCAGCAGC on transcript NM_001369.3 (MANE Select); coding-DNA position 2948, A replaced by CTCAGCAGC.
Protein change: p.Lys983fs; shifts the reading frame from lysine 983.
Molecular consequence: frameshift variant.
Genome position (GRCh38, 1-based): chr5:13,885,024, T replaced by GCTGCTGAG on the plus strand (A replaced by CTCAGCAGC on the coding strand, the reverse complement: DNAH5 is on the minus strand). VCF-style: chr5-13885024-T-GCTGCTGAG. GRCh37 (hg19) VCF-style: chr5-13885133-T-GCTGCTGAG.
Other names: short protein forms K983fs.
Identifiers: ClinVar variation 5010366 (VCV005010366.1).

ClinVar aggregate classification (germline): Pathogenic (1 of 4 stars; one submission).

Conditions:
Primary ciliary dyskinesia 3. Identifiers: Orphanet 244, MedGen C1837618, MONDO:0012085, OMIM 608644.

Submission:

Myriad Genetics, Inc.
Classification: Pathogenic for Primary ciliary dyskinesia 3. Last evaluated: 2024-05-14. Review status: criteria provided, single submitter. Criteria: Myriad Autosomal Dominant, Autosomal Recessive and X-Linked Classification Criteria (2023). Collection method: clinical testing. Allele origin: unknown.
Comment: NM_001369.2(DNAH5):c.2948del1ins9(K983Tfs*23) is expected to be pathogenic in the context of primary ciliary dyskinesia, DNAH5-related. This variant is predicted to lead to an abnormal or absent protein product due to the creation of a premature termination codon in DNAH5, a gene where loss-of-function variants are known to be pathogenic. Please note: this variant was assessed in the context of healthy population screening.